The following is an entry in ClinVar:

NM_032725.4(BUD13):c.77G>A (p.Arg26Gln)

Gene: BUD13 (BUD13 spliceosome associated protein; minus strand). Cytogenetic location: 11q23.3.
Variant type: single nucleotide variant.
Coding change: c.77G>A on transcript NM_032725.4 (MANE Select); coding-DNA position 77, G replaced by A.
Protein change: p.Arg26Gln; replaces arginine 26 with glutamine.
Molecular consequence: missense variant.
Genome position (GRCh38, 1-based): chr11:116,772,888, C>T on the plus strand (G>A on the coding strand, the complement: BUD13 is on the minus strand). VCF-style: chr11-116772888-C-T. GRCh37 (hg19) VCF-style: chr11-116643604-C-T.
Other names: c.77G>A, p.Arg26Gln (NM_001159736.2); short protein forms R26Q.
Identifiers: ClinVar variation 2550739 (VCV002550739.5), dbSNP rs770960697, ClinGen allele CA6288405.

ClinVar aggregate classification (germline): Uncertain significance. Review status: criteria provided, multiple submitters, no conflicts (2 of 4 stars). 2 submissions from 2 submitters: Uncertain significance (2). Last evaluated 2026-02-25.

Allele frequency attached by ClinVar (database versions not stated): ExAC 0.00002.
gnomAD v4.1: 55 of 1,588,998 alleles (0.0035%); highest among the groups gnomAD compares: African/African-American, 0.066%; no homozygotes.

Submissions (2):

Dasa
Classification: Uncertain significance. Last evaluated: 2026-02-25. Review status: criteria provided, single submitter. Criteria: DASA Assertion Criteria. Collection method: clinical testing. Allele origin: germline.
Comment: NM_032725.4(BUD13):c.77G>A (p.Arg26Gln) is a missense variant that results in the substitution of arginine with glutamine. This variant is rare in population databases. Computational prediction algorithms are consistent with a benign effect. The currently available literature and clinical evidence are not sufficient to establish a definitive association between this variant and the reported condition. Therefore, this variant is classified as a variant of uncertain significance.

Ambry Genetics
Classification: Uncertain significance. Last evaluated: 2025-11-05. Review status: criteria provided, single submitter. Criteria: Ambry Variant Classification Scheme 2023. Collection method: clinical testing. Allele origin: germline.